The following is an entry in ClinVar:

NM_001164277.2(SLC37A4):c.581T>C (p.Val194Ala)

Gene: SLC37A4 (solute carrier family 37 member 4; minus strand). Cytogenetic location: 11q23.3.
Variant type: single nucleotide variant.
Coding change: c.581T>C on transcript NM_001164277.2 (MANE Select); coding-DNA position 581, T replaced by C.
Protein change: p.Val194Ala; replaces valine 194 with alanine.
Molecular consequence: missense variant.
Genome position (GRCh38, 1-based): chr11:119,027,672, A>G on the plus strand (T>C on the coding strand, the complement: SLC37A4 is on the minus strand). VCF-style: chr11-119027672-A-G. GRCh37 (hg19) VCF-style: chr11-118898382-A-G.
Other names: c.581T>C, p.Val194Ala (NM_001164278.2, NM_001164280.2, NM_001467.6); c.362T>C, p.Val121Ala (NM_001164279.2); short protein forms V121A, V194A.
Identifiers: ClinVar variation 2835586 (VCV002835586.3), dbSNP rs2497027956, ClinGen allele CA382902047.
Genomic context (GRCh38, chr11:119,027,672, plus strand): 5'-CTGGGTGGGGGCTCACCCTTCTTGCCCTCAGAGGGCATGGGGTCCAGGTTGCGGAGTCCA[A>G]CATCAGCAGGTTCATTGTGGATGAGCAGGAGACAGAGGAAGGAGACAACCACACCACAGT-3'
Protein context (NP_001157749.1, residues 184-204): LLLIHNEPAD[Val194Ala]GLRNLDPMPS

ClinVar aggregate classification (germline): Uncertain significance (1 of 4 stars; one submission).

Conditions:
Glucose-6-phosphate transport defect (GSD1B). Also called: Glycogen Storage Disease Type Ib; GSD Ib. Identifiers: Orphanet 364, Orphanet 79259, MedGen C0268146, MONDO:0009288, OMIM 232220.

Submission:

Labcorp Genetics (formerly Invitae), Labcorp
Classification: Uncertain significance for Glucose-6-phosphate transport defect. Last evaluated: 2023-02-08. Review status: criteria provided, single submitter. Criteria: Invitae Variant Classification Sherloc (09022015). Collection method: clinical testing. Allele origin: germline.
Comment: This variant has not been reported in the literature in individuals affected with SLC37A4-related conditions. This sequence change replaces valine, which is neutral and non-polar, with alanine, which is neutral and non-polar, at codon 194 of the SLC37A4 protein (p.Val194Ala). This variant is not present in population databases (gnomAD no frequency). Advanced modeling of protein sequence and biophysical properties (such as structural, functional, and spatial information, amino acid conservation, physicochemical variation, residue mobility, and thermodynamic stability) performed at Invitae indicates that this missense variant is not expected to disrupt SLC37A4 protein function. In summary, the available evidence is currently insufficient to determine the role of this variant in disease. Therefore, it has been classified as a Variant of Uncertain Significance.